The following is an entry in ClinVar:

ClinVar aggregate classification (germline): Uncertain significance (1 of 4 stars; one submission).

Conditions:
Inborn genetic diseases. Identifiers: MedGen C0950123, MeSH D030342.

Submission:

Ambry Genetics
Classification: Uncertain significance for Inborn genetic diseases. Last evaluated: 2023-04-23. Review status: criteria provided, single submitter. Criteria: Ambry Variant Classification Scheme 2023. Collection method: clinical testing. Allele origin: germline.
Comment: The p.S159C variant (also known as c.475A>T), located in coding exon 5 of the EPAS1 gene, results from an A to T substitution at nucleotide position 475. The serine at codon 159 is replaced by cysteine, an amino acid with dissimilar properties. This amino acid position is conserved. In addition, this alteration is predicted to be tolerated by in silico analysis. Since supporting evidence is limited at this time, the clinical significance of this alteration remains unclear.

NM_001430.5(EPAS1):c.475A>T (p.Ser159Cys)

Genes: EPAS1 (endothelial PAS domain protein 1; plus strand), LOC126806210 (BRD4-independent group 4 enhancer GRCh37_chr2:46587586-46588785; plus strand). Cytogenetic location: 2p21.
Variant type: single nucleotide variant.
Coding change: c.475A>T on transcript NM_001430.5 (MANE Select); coding-DNA position 475, A replaced by T.
Protein change: p.Ser159Cys; replaces serine 159 with cysteine.
Molecular consequence: missense variant.
Genome position (GRCh38, 1-based): chr2:46,360,658, A>T. VCF-style: chr2-46360658-A-T. GRCh37 (hg19) VCF-style: chr2-46587797-A-T.
Other names: short protein forms S159C.
Identifiers: ClinVar variation 2565064 (VCV002565064.2), dbSNP rs755022508, ClinGen allele CA346698983.
Genomic context (GRCh38, chr2:46,360,658, plus strand): 5'-AACTGACTTCAGCTGGTTCTTCCCATCCTTCCACATCCAGGCTCTGGTTTTGGGAAAAAA[A>T]GCAAAGACATGTCCACAGAGCGGGACTTCTTCATGAGGATGAAGTGCACGGTCACCAACA-3'
Protein context (NP_001421.2, residues 149-169): LKNGSGFGKK[Ser159Cys]KDMSTERDFF